The following is an entry in ClinVar:

NM_000350.3(ABCA4):c.5512C>A (p.His1838Asn)

Gene: ABCA4 (ATP binding cassette subfamily A member 4; minus strand). Cytogenetic location: 1p22.1.
Variant type: single nucleotide variant.
Coding change: c.5512C>A on transcript NM_000350.3 (MANE Select); coding-DNA position 5512, C replaced by A.
Protein change: p.His1838Asn; replaces histidine 1838 with asparagine.
Molecular consequence: missense variant.
Genome position (GRCh38, 1-based): chr1:94,011,334, G>T on the plus strand (C>A on the coding strand, the complement: ABCA4 is on the minus strand). VCF-style: chr1-94011334-G-T. GRCh37 (hg19) VCF-style: chr1-94476890-G-T.
Other names: c.5290C>A, p.His1764Asn (NM_001425324.1); short protein forms H1838N, H1764N.
Identifiers: ClinVar variation 236133 (VCV000236133.6), dbSNP rs62642562, ClinGen allele CA10602418.

ClinVar aggregate classification (germline): Pathogenic/Likely pathogenic. Review status: criteria provided, multiple submitters, no conflicts (2 of 4 stars). 3 submissions from 2 submitters: Pathogenic (1); Likely pathogenic (2). Last evaluated 2023-03-20.

Conditions:
Retinal dystrophy. Also called: Inherited retinal dystrophy. Identifiers: Orphanet 71862, MedGen C0854723, MeSH D058499, MONDO:0019118, HP:0000556.
Severe early-childhood-onset retinal dystrophy (STGD1). Also called: Stargardt macular dystrophy; Juvenile onset macular degeneration; Stargardt disease 1; STGD; MACULAR DYSTROPHY WITH FLECKS, TYPE 1. Identifiers: Orphanet 364055, Orphanet 827, MedGen C1855465, MeSH D000080362, MONDO:0009549, OMIM 248200.

Allele frequency attached by ClinVar (database versions not stated): TOPMed 0.00001.
gnomAD v4.1: 2 of 1,614,120 alleles (0.00012%); highest among the groups gnomAD compares: Non-Finnish European, 0.000085%; no homozygotes.

Submissions (3):

Labcorp Genetics (formerly Invitae), Labcorp
Classification: Pathogenic. Last evaluated: 2023-03-20. Review status: criteria provided, single submitter. Criteria: Invitae Variant Classification Sherloc (09022015). Collection method: clinical testing. Allele origin: germline.
Comment: This sequence change replaces histidine, which is basic and polar, with asparagine, which is neutral and polar, at codon 1838 of the ABCA4 protein (p.His1838Asn). This variant is present in population databases (no rsID available, gnomAD 0.003%). This missense change has been observed in individual(s) with ABCA4 associated conditions (PMID: 15192030; Invitae). ClinVar contains an entry for this variant (Variation ID: 236133). Advanced modeling of protein sequence and biophysical properties (such as structural, functional, and spatial information, amino acid conservation, physicochemical variation, residue mobility, and thermodynamic stability) performed at Invitae indicates that this missense variant is expected to disrupt ABCA4 protein function. Experimental studies have shown that this missense change affects ABCA4 function (PMID: 33375396). This variant disrupts the p.His1838 amino acid residue in ABCA4. Other variant(s) that disrupt this residue have been determined to be pathogenic (PMID: 28771251; Invitae). This suggests that this residue is clinically significant, and that variants that disrupt this residue are likely to be disease-causing. For these reasons, this variant has been classified as Pathogenic.

Institute of Human Genetics, Univ. Regensburg, Univ. Regensburg
Classification: Likely pathogenic for Severe early-childhood-onset retinal dystrophy. Last evaluated: 2016-01-01. Review status: criteria provided, single submitter. Criteria: Schulz et al. (Invest Ophthalmol Vis Sci. 2017). Collection method: clinical testing. Allele origin: germline. Affected: yes. Observed: 1 heterozygote.

Institute of Human Genetics, Univ. Regensburg, Univ. Regensburg
Classification: Likely pathogenic for Retinal dystrophy. Last evaluated: 2016-01-01. Review status: criteria provided, single submitter. Criteria: ACMG Guidelines, 2015. Collection method: clinical testing. Allele origin: germline. Affected: yes.

Literature cited by the submitters: PubMed 15192030 (cited by Labcorp Genetics (formerly Invitae), Labcorp and Institute of Human Genetics, Univ. Regensburg, Univ. Regensburg); PubMed 33375396 (cited by Labcorp Genetics (formerly Invitae), Labcorp and Institute of Human Genetics, Univ. Regensburg, Univ. Regensburg); PubMed 28771251 (cited by Labcorp Genetics (formerly Invitae), Labcorp); PubMed 31964843 (cited by Institute of Human Genetics, Univ. Regensburg, Univ. Regensburg).